The following is an entry in ClinVar:

ClinVar aggregate classification (germline): Pathogenic. Review status: criteria provided, multiple submitters, no conflicts (2 of 4 stars). 3 submissions from 3 submitters: Pathogenic (2). 1 of the submissions does not count toward it. Last evaluated 2022-06-01.

Conditions:
COG5-congenital disorder of glycosylation. Also called: CONGENITAL DISORDER OF GLYCOSYLATION, TYPE IIi; CDG IIi; COG5-CDG. Identifiers: Orphanet 263487, MedGen C3150876, MONDO:0013325, OMIM 613612.

Allele frequency attached by ClinVar (database versions not stated): gnomAD exomes below 0.00001.

Submissions (3):

GeneDx
Classification: Pathogenic. Last evaluated: 2022-06-01. Review status: criteria provided, single submitter. Criteria: GeneDx Variant Classification Process June 2021. Collection method: clinical testing. Allele origin: germline. Affected: yes.
Comment: Not observed at significant frequency in large population cohorts (gnomAD); Nonsense variant predicted to result in protein truncation or nonsense mediated decay in a gene for which loss of function is a known mechanism of disease; This variant is associated with the following publications: (PMID: 32174980)

Juno Genomics, Hangzhou Juno Genomics, Inc
Classification: Pathogenic for COG5-congenital disorder of glycosylation. Review status: criteria provided, single submitter. Criteria: ACMG Guidelines, 2015. Collection method: clinical testing. Allele origin: germline.
Comment: Null variant in a gene where loss of function (LOF) is a known mechanism of disease.;Absent from controls (or at extremely low frequency if recessive) in Genome Aggregation Database.;Patient's phenotype or family history is highly specific for a disease with a single genetic etiology.

OMIM
Classification: Pathogenic for CONGENITAL DISORDER OF GLYCOSYLATION, TYPE IIi. Last evaluated: 2020-07-07. Review status: no assertion criteria provided. Collection method: literature only. Allele origin: germline. Not counted in ClinVar's aggregate classification.

Literature cited by the submitters: PubMed 32174980 (cited by OMIM).

NM_006348.5(COG5):c.1197C>A (p.Tyr399Ter)

Gene: COG5 (component of oligomeric golgi complex 5; minus strand). Cytogenetic location: 7q22.3.
Variant type: single nucleotide variant.
Coding change: c.1197C>A on transcript NM_006348.5 (MANE Select); coding-DNA position 1197, C replaced by A.
Protein change: p.Tyr399Ter; replaces tyrosine 399 with a stop codon.
Molecular consequence: nonsense.
Genome position (GRCh38, 1-based): chr7:107,298,258, G>T on the plus strand (C>A on the coding strand, the complement: COG5 is on the minus strand). VCF-style: chr7-107298258-G-T. GRCh37 (hg19) VCF-style: chr7-106938703-G-T.
Other names: Y430*; c.1197C>A, p.Tyr399Ter (NM_001161520.2, NM_001379511.1, NM_001379512.1 and 3 more transcripts); c.627C>A, p.Tyr209Ter (NM_001379515.1); c.483C>A, p.Tyr161Ter (NM_001379516.1); short protein forms Y161*, Y209*, Y399*.
Identifiers: ClinVar variation 932933 (VCV000932933.4), dbSNP rs1186766555, ClinGen allele CA368938637.